The following is an entry in ClinVar:

NM_003998.4(NFKB1):c.2750-11T>C

Gene: NFKB1 (nuclear factor kappa B subunit 1; plus strand). Cytogenetic location: 4q24.
Variant type: single nucleotide variant.
Coding change: c.2750-11T>C on transcript NM_003998.4 (MANE Select); 11 bases into the intron before coding-DNA position 2750, T replaced by C.
Molecular consequence: intron variant.
Genome position (GRCh38, 1-based): chr4:102,616,423, T>C. VCF-style: chr4-102616423-T-C. GRCh37 (hg19) VCF-style: chr4-103537580-T-C.
Other names: c.2750-11T>C (NM_001382626.1, NM_001382625.1); c.2747-11T>C (NM_001382627.1, NM_001165412.2, NM_001319226.2); c.2708-11T>C (NM_001382628.1).
Identifiers: ClinVar variation 3669587 (VCV003669587.2).

ClinVar aggregate classification (germline): Uncertain significance (1 of 4 stars; one submission).

gnomAD v4.1: 1 of 1,612,960 alleles (0.000062%); highest among the groups gnomAD compares: African/African-American, 0.0013%; no homozygotes.

Submission:

Labcorp Genetics (formerly Invitae), Labcorp
Classification: Uncertain significance. Last evaluated: 2024-03-28. Review status: criteria provided, single submitter. Criteria: Invitae Variant Classification Sherloc (09022015). Collection method: clinical testing. Allele origin: germline.
Comment: This sequence change falls in intron 23 of the NFKB1 gene. It does not directly change the encoded amino acid sequence of the NFKB1 protein. This variant is present in population databases (no rsID available, gnomAD 0.01%). This variant has not been reported in the literature in individuals affected with NFKB1-related conditions. Algorithms developed to predict the effect of sequence changes on RNA splicing suggest that this variant may disrupt the consensus splice site. In summary, the available evidence is currently insufficient to determine the role of this variant in disease. Therefore, it has been classified as a Variant of Uncertain Significance.